The following continues an entry in ClinVar:

NM_001360016.2(G6PD):c.1360C>T (p.Arg454Cys)

Gene: G6PD. ClinVar aggregate classification (germline): Pathogenic. Pathogenic (25).

Submissions 10 to 25 of 25:

ARUP Laboratories, Molecular Genetics and Genomics, ARUP Laboratories
Classification: Pathogenic. Last evaluated: 2024-12-16. Review status: criteria provided, single submitter. Criteria: ARUP Molecular Germline Variant Investigation Process 2024. Collection method: clinical testing. Allele origin: germline.
Comment: The G6PD c.1360C>T; p.Arg454Cys variant (rs398123546), also known as the Union or Maewo variant, has been described in the literature in individuals with severe G6PD deficiency and has been described as a Class II variant associated with a severe decrease in enzyme activity (Ainoon 2003, Calabro 1993, Hsia 1993, Hu 2015, Perng 1992, Silao 1999). It is reported as pathogenic by multiple sources in ClinVar (Variation ID: 93493) and is observed in the general population at an overall frequency of 0.014% (29/203874 alleles, 5 hemizygotes) in the Genome Aggregation Database. Computational analyses predict that this variant is deleterious (REVEL: 0.938). Based on available information, this variant is considered pathogenic. REFERENCES Ainoon O et al. Glucose-6-phosphate dehydrogenase (G6PD) variants in Malaysian Malays. Hum Mutat. 2003 Jan;21(1):101. PMID: 12497642. Calabro V et al. Genetic Heterogeneity of Glucose-6-Phosphate Dehydrogenase Deficiency Revealed by Single-Strand Conformation and Sequence Analysis. Am J Hum Genet. 1993;52:527-536. PMID: 8447319. Hsia YE et al. Frequency of glucose-6-phosphate dehydrogenase (G6PD) mutations in Chinese, Filipinos, and Laotians from Hawaii. Hum Genet. 1993;92(5):470-6. PMID: 8244337. Hu R et al. Molecular epidemiological investigation of G6PD deficiency by a gene chip among Chinese Hakka of southern Jiangxi province. Int J Clin Exp Pathol. 2015 Nov 1;8(11):15013-8. PMID: 26823837. Perng LI et al. A novel C to T substitution at nucleotide 1360 of cDNA which abolishes a natural Hha I site accounts for a new G6PD deficiency gene in Chinese. Hum Mol Genet. 1992;1(3): 205. PMID: 1303180. Silao C et al. Molecular basis of glucose-6-phosphate dehydrogenase deficiency among Filipinos. Pediatr Int. 1999 Apr;41(2):138-41. PMID: 10221015.

Blueprint Genetics
Classification: Pathogenic for G6PD-related disorders. Last evaluated: 2024-11-08. Review status: criteria provided, single submitter. Criteria: ACMG Guidelines, 2015. Collection method: clinical testing. Allele origin: germline. Affected: yes. Observed: 5 variant alleles.

Revvity Omics, Revvity
Classification: Pathogenic for Anemia, nonspherocytic hemolytic, due to G6PD deficiency. Last evaluated: 2024-08-29. Review status: criteria provided, single submitter. Criteria: ACMG Guidelines, 2015. Collection method: clinical testing. Allele origin: germline.

Baylor Genetics
Classification: Pathogenic for Malaria, susceptibility to. Last evaluated: 2024-03-26. Review status: criteria provided, single submitter. Criteria: ACMG Guidelines, 2015. Collection method: clinical testing. Allele origin: unknown.

Fulgent Genetics
Classification: Pathogenic for Anemia, nonspherocytic hemolytic, due to G6PD deficiency; Malaria, susceptibility to. Last evaluated: 2023-12-21. Review status: criteria provided, single submitter. Criteria: ACMG Guidelines, 2015. Collection method: clinical testing. Allele origin: germline.

Victorian Clinical Genetics Services, Murdoch Childrens Research Institute
Classification: Pathogenic for Anemia, nonspherocytic hemolytic, due to G6PD deficiency. Last evaluated: 2023-07-17. Review status: criteria provided, single submitter. Criteria: ACMG Guidelines, 2015. Collection method: clinical testing. Allele origin: germline. Inheritance: X-linked recessive inheritance. Affected: no.
Comment: Based on the classification scheme VCGS_Germline_v1.3.4, this variant is classified as Pathogenic. Following criteria are met: 0102 - Loss of function is a known mechanism of disease in this gene and is associated with G6PD deficient hemolytic anemia (favism) (MIM#300908). (I) 0109 - This gene is associated with X-linked recessive disease. Hemizygous males and homozygous females are commonly affected, however some heterozygous female carriers can also be affected depending on X inactivation. (I) 0200 - Variant is predicted to result in a missense amino acid change from arginine to cysteine. (I) 0251 - This variant is heterozygous. (I) 0302 - Variant is present in gnomAD (v3) <0.001 for a dominant condition (12 heterozygotes, 1 homozygote, 5 hemizygotes). (SP) 0309 - An alternative amino acid change at the same position has been observed in gnomAD (v2) (0 heterozygotes, 0 homozygotes, 1 hemizygote). (I) 0501 - Missense variant consistently predicted to be damaging by multiple in silico tools or highly conserved with a major amino acid change. (SP) 0600 - Variant is located in the annotated G6PD C-terminal domain (DECIPHER). (I) 0702 - Other missense variants comparable to the one identified in this case have strong previous evidence for pathogenicity. Two alternative nucleotide changes have been reported as pathogenic (ClinVar, PMID: 12105841, 12497642). (SP) 0801 - This variant has strong previous evidence of pathogenicity in unrelated individuals. This is one of the most common pathogenic variants, known as the Union or Maewo variant, reported in the literature (ClinVar, PMID: 22293322). (SP) 1002 - This variant has moderate functional evidence supporting abnormal protein function. This variant has been shown to impact protein thermostability and decrease catalytic efficiency of the enzyme (PMID: 16088936). (SP) 1208 - Inheritance information for this variant is not currently available in this individual. (I) Legend: (SP) - Supporting pathogenic, (I) - Information, (SB) - Supporting benign

GeneDx
Classification: Pathogenic. Last evaluated: 2023-02-24. Review status: criteria provided, single submitter. Criteria: GeneDx Variant Classification Process June 2021. Collection method: clinical testing. Allele origin: germline. Affected: yes.
Comment: Published functional studies demonstrate a damaging effect by significantly decreasing the kinetic behavior and thermostability of the protein (Wang et al., 2005); In silico analysis supports that this missense variant has a deleterious effect on protein structure/function; Also known as G6PD Union; This variant is associated with the following publications: (PMID: 1459579, 1303180, 15349799, 22293322, 12497642, 34659341, 8244337, 33637102, 16088936, 8447319, 10221015, 26823837, 28583873, 16136268, 11793482, 31019026, 31980526, 34201899, 34426522, 33072997, 31589614, 36007526, 29251006, 7825590, 33636823, 15727905, 4392654, 31863082)

Dunham Lab, University of Washington
Classification: Pathogenic for Anemia, nonspherocytic hemolytic, due to G6PD deficiency. Last evaluated: 2022-08-12. Review status: criteria provided, single submitter. Criteria: Bayesian ACMG Guidelines, 2018. Collection method: curation. Allele origin: inherited. Affected: yes.
Comment: Variant found in unrelated hemizygotes with deficiency, some with jaundice, anemia, and favism (PS4_M, PP4). In one family, variant segregates with deficiency over multiple generations (PP1). Decreased activity in red blood cells of hemizygotes (0-21%) (PS3). Predicted to be damaging by SIFT, probably damaging by PolyPhen (PP3). Below expected carrier frequency in gnomAD (PM2). Reported as pathogenic by multiple clinical testing groups (PP5). Post_P 0.999 (odds of pathogenicity 6563, Prior_P 0.1).

Greenwood Genetic Center Diagnostic Laboratories, Greenwood Genetic Center
Classification: Pathogenic for Anemia, nonspherocytic hemolytic, due to G6PD deficiency. Last evaluated: 2022-07-13. Review status: criteria provided, single submitter. Criteria: ACMG Guidelines, 2015. Collection method: clinical testing. Allele origin: germline. Affected: yes.
Comment: PS3, PS4, PM5, PP3

Mendelics
Classification: Pathogenic for Anemia, nonspherocytic hemolytic, due to G6PD deficiency. Last evaluated: 2022-05-04. Review status: criteria provided, single submitter. Criteria: Mendelics Assertion Criteria 2019. Collection method: clinical testing. Allele origin: germline.

Genomic Research Center, Shahid Beheshti University of Medical Sciences
Classification: Pathogenic. Last evaluated: 2020-05-03. Review status: criteria provided, single submitter. Criteria: ACMG Guidelines, 2015. Collection method: clinical testing. Allele origin: unknown. Affected: yes.

Rady Children's Institute for Genomic Medicine, Rady Children's Hospital San Diego
Classification: Pathogenic for ANEMIA, NONSPHEROCYTIC HEMOLYTIC, DUE TO G6PD DEFICIENCY. Last evaluated: 2018-10-03. Review status: criteria provided, single submitter. Criteria: ACMG Guidelines, 2015. Collection method: clinical testing. Allele origin: germline. Affected: yes. Observed: 1 variant allele.
Comment: This variant is also known in the literature as c.1360C>T (p.Arg454Cys) and is also commonly described as the "Union" or "Maewo" variant. In the gnomAD population database this variant is present in the heterozygous state at a frequency of 0.014% (29/2038745)and the hemizygous state in 5 individuals. This variant has been reported in the hemizygous state in many individuals affected with G6PD deficiency in different ethnic groups (PMID: 12497642, 26823837, 22293322, 10221015) and is classified by multiple clinical laboratories as pathogenic in the ClinVar database (Variation ID: 93493). Functional in vitro studies demonstrate this variant impacts protein thermostability and decreases catalytic efficiency of the enzyme (PMID: 16088936). Based on the overall evidence, the c.1450C>T (p.Arg484Cys) variant was classified as pathogenic.

Illumina Laboratory Services, Illumina
Classification: Pathogenic for Glucose 6 phosphate dehydrogenase deficiency. Last evaluated: 2018-09-20. Review status: criteria provided, single submitter. Criteria: ICSL Variant Classification Criteria 09 May 2019. Collection method: clinical testing. Allele origin: germline.
Comment: Across a selection of literature, the G6PD c.1360C>T (p.Arg454Cys) variant has been reported in at least two studies and is found in a total of 37 hemizygous male probands (Calabro et al. 1993; Ganczakowski et al., 1995). Control data are unavailable for this variant, which is reported at a frequency of 0.000623 in the East Asian population of the Genome Aggregation Database. Analysis in proband erythrocytes was measured at 5% of normal levels (Calabro et al. 1993). Wang et al. (2005) measured enzyme kinetics and stability of the p.Arg454Cys variant and found decreased catalytic efficiency and decreased stability of the variant enzyme at higher temperatures compared to wild type. Based on the evidence, the p.Arg454Cys variant is classified as pathogenic for G6PD deficiency. This variant was observed by ICSL as part of a predisposition screen in an ostensibly healthy population.

Center for Pediatric Genomic Medicine, Children's Mercy Hospital and Clinics
Classification: Pathogenic. Last evaluated: 2014-10-06. Review status: criteria provided, single submitter. Criteria: ACMG Guidelines, 2015. Collection method: clinical testing. Allele origin: germline.

Eurofins Ntd Llc (ga)
Classification: Pathogenic. Last evaluated: 2013-10-29. Review status: criteria provided, single submitter. Criteria: EGL Classification Definitions. Collection method: clinical testing. Allele origin: germline. Observed: 9 variant alleles, 4 heterozygotes, 1 homozygote, 4 hemizygotes.

Juno Genomics, Hangzhou Juno Genomics, Inc
Classification: Pathogenic for Malaria, susceptibility to; Anemia, nonspherocytic hemolytic, due to G6PD deficiency. Review status: criteria provided, single submitter. Criteria: ACMG Guidelines, 2015. Collection method: clinical testing. Allele origin: germline.
Comment: Absent from controls (or at extremely low frequency if recessive) in Genome Aggregation Database.;The prevalence of the variant in affected individuals is significantly increased compared to the prevalence in controls.;Patient's phenotype or family history is highly specific for a disease with a single genetic etiology.;Well-established in vitro or in vivo functional studies supportive of a damaging effect on the gene or gene product.

Literature cited by the submitters: PubMed 10221015 (cited by 3 submitters); PubMed 12497642 (cited by 4 submitters); PubMed 22293322 (cited by 3 submitters); PubMed 26823837 (cited by Labcorp Genetics (formerly Invitae), Labcorp and Variantyx, Inc.); PubMed 16088936 (cited by 5 submitters); PubMed 39076173 (cited by Variantyx, Inc.); PubMed 38085718 (cited by Women's Health and Genetics/Laboratory Corporation of America, LabCorp); PubMed 8447319 (cited by 3 submitters); PubMed 12105841 (cited by Victorian Clinical Genetics Services, Murdoch Childrens Research Institute); PubMed 8611726 (cited by Dunham Lab, University of Washington); PubMed 4721339 (cited by Dunham Lab, University of Washington); PubMed 7825590 (cited by Dunham Lab, University of Washington and Illumina Laboratory Services, Illumina); PubMed 16143877 (cited by Dunham Lab, University of Washington); PubMed 11793482 (cited by Dunham Lab, University of Washington); PubMed 15727905 (cited by Dunham Lab, University of Washington); PubMed 33636823 (cited by Dunham Lab, University of Washington); PubMed 1459579 (cited by Dunham Lab, University of Washington); PubMed 4392654 (cited by Dunham Lab, University of Washington); PubMed 16329560 (cited by Dunham Lab, University of Washington); PubMed 31863082 (cited by Dunham Lab, University of Washington); PubMed 4435794 (cited by Dunham Lab, University of Washington); PubMed 8244337 (cited by Dunham Lab, University of Washington); PubMed 30045279 (cited by Dunham Lab, University of Washington); PubMed 7577654 (cited by Dunham Lab, University of Washington); PubMed 9233561 (cited by Dunham Lab, University of Washington); PubMed 34620237 (cited by Dunham Lab, University of Washington); PubMed 35840819 (cited by Dunham Lab, University of Washington).